The following is an entry in ClinVar:

NM_006073.4(TRDN):c.1254T>C (p.Ser418=)

Gene: TRDN (triadin; minus strand). Cytogenetic location: 6q22.31.
Variant type: single nucleotide variant.
Coding change: c.1254T>C on transcript NM_006073.4 (MANE Select); coding-DNA position 1254, T replaced by C.
Protein change: p.Ser418=; no amino-acid change (serine 418 retained).
Molecular consequence: synonymous variant.
Genome position (GRCh38, 1-based): chr6:123,375,624, A>G on the plus strand (T>C on the coding strand, the complement: TRDN is on the minus strand). VCF-style: chr6-123375624-A-G. GRCh37 (hg19) VCF-style: chr6-123696769-A-G.
Other names: c.1257T>C, p.Ser419= (NM_001251987.2); c.1197T>C, p.Ser399= (NM_001407315.1).
Identifiers: ClinVar variation 5041670 (VCV005041670.1).
Genomic context (GRCh38, chr6:123,375,624, plus strand): 5'-TGCCCAAATATGCTCTTCTTTAAAAATTTTGTTCAACATACTTGCTTTTACTTGTTTGTC[A>G]CTTGGAACTGTTAATGACAAGAAATAATAAGGTCAACAGTAATTACAAATCTGCTTATCT-3'
Protein context (NP_006064.2, residues 408-428): KSPKKEHSVP[Ser418=]DKQVKAKTER

ClinVar aggregate classification (germline): Likely benign (1 of 4 stars; one submission).

Submission:

CeGaT Center for Human Genetics Tuebingen
Classification: Likely benign. Last evaluated: 2026-09-01. Review status: criteria provided, single submitter. Criteria: CeGaT Center For Human Genetics Tuebingen Variant Classification Criteria Version 2. Collection method: clinical testing. Allele origin: germline. Affected: yes. Observed: 1 variant allele.
Comment: TRDN: PM2:Supporting, BP4, BP7